The following is an entry in ClinVar:

ClinVar aggregate classification (germline): Uncertain significance (1 of 4 stars; one submission).

Conditions:
Bloom syndrome (BLM). Also called: Bloom-Torre-Machacek syndrome. Identifiers: Orphanet 125, MedGen C0005859, MONDO:0008876, OMIM 210900.

Submission:

Labcorp Genetics (formerly Invitae), Labcorp
Classification: Uncertain significance for Bloom syndrome. Last evaluated: 2021-01-11. Review status: criteria provided, single submitter. Criteria: Invitae Variant Classification Sherloc (09022015). Collection method: clinical testing. Allele origin: germline.
Comment: In summary, the available evidence is currently insufficient to determine the role of this variant in disease. Therefore, it has been classified as a Variant of Uncertain Significance. Algorithms developed to predict the effect of missense changes on protein structure and function are either unavailable or do not agree on the potential impact of this missense change (SIFT: "Deleterious"; PolyPhen-2: "Probably Damaging"; Align-GVGD: "Class C0"). This variant has not been reported in the literature in individuals with BLM-related conditions. This variant is not present in population databases (ExAC no frequency). This sequence change replaces tryptophan with cysteine at codon 154 of the BLM protein (p.Trp154Cys). The tryptophan residue is moderately conserved and there is a large physicochemical difference between tryptophan and cysteine.

NM_000057.4(BLM):c.462G>C (p.Trp154Cys)

Gene: BLM (BLM RecQ like helicase; plus strand). Cytogenetic location: 15q26.1.
Variant type: single nucleotide variant.
Coding change: c.462G>C on transcript NM_000057.4 (MANE Select); coding-DNA position 462, G replaced by C.
Protein change: p.Trp154Cys; replaces tryptophan 154 with cysteine.
Molecular consequence: missense variant. On other transcripts: 5 prime UTR variant (1).
Genome position (GRCh38, 1-based): chr15:90,749,730, G>C. VCF-style: chr15-90749730-G-C. GRCh37 (hg19) VCF-style: chr15-91292960-G-C.
Other names: c.462G>C, p.Trp154Cys (NM_001287246.2, NM_001287247.2); c.-830G>C (NM_001287248.2); short protein forms W154C.
Identifiers: ClinVar variation 1462419 (VCV001462419.8), dbSNP rs2151147399, ClinGen allele CA393840823.
Genomic context (GRCh38, chr15:90,749,730, plus strand): 5'-TGCTCTCAAGAAATTAGAATTTAGTTCTTCACCAGATTCTTTAAGTACCATCAATGATTG[G>C]GATGATATGGATGACTTTGATACTTCTGAGACTTCAAAATCATTTGTTACACCACCCCAA-3'
Protein context (NP_000048.1, residues 144-164): SPDSLSTIND[Trp154Cys]DDMDDFDTSE